The following is an entry in ClinVar:

ClinVar aggregate classification (germline): Benign. Review status: criteria provided, multiple submitters, no conflicts (2 of 4 stars). 3 submissions from 3 submitters: Benign (3). Last evaluated 2021-07-14.

Conditions:
Spondylodysplastic Ehlers-Danlos syndrome. Identifiers: Orphanet 536471, Orphanet 75496, MedGen C5680154, MONDO:0007526.

Allele frequency attached by ClinVar (database versions not stated): TOPMed 0.99050; gnomAD 0.99130 and 0.99200; ESP Exome Variant Server 0.99147; 1000 Genomes Project 30x 0.99313; 1000 Genomes Project 0.99321; ExAC 0.99752; gnomAD exomes 0.99908.
gnomAD v4.1: 1,585,454 of 1,588,048 alleles (100%); highest among the groups gnomAD compares: East Asian, 100%; 791,477 homozygotes.

Submissions (3):

Genome-Nilou Lab
Classification: Benign for Ehlers-Danlos syndrome, spondylodysplastic type, 1. Last evaluated: 2021-07-14. Review status: criteria provided, single submitter. Criteria: ACMG Guidelines, 2015. Collection method: clinical testing. Allele origin: germline. Affected: no.

Mayo Clinic Laboratories, Mayo Clinic
Classification: Benign. Last evaluated: 2018-10-02. Review status: criteria provided, single submitter. Criteria: ACMG Guidelines, 2015. Collection method: clinical testing. Allele origin: germline. Observed: 43 variant alleles.

GeneDx
Classification: Benign. Last evaluated: 2018-06-19. Review status: criteria provided, single submitter. Criteria: GeneDx Variant Classification (06012015). Collection method: clinical testing. Allele origin: germline. Affected: yes.
Comment: This variant is considered likely benign or benign based on one or more of the following criteria: it is a conservative change, it occurs at a poorly conserved position in the protein, it is predicted to be benign by multiple in silico algorithms, and/or has population frequency not consistent with disease.

NM_007255.3(B4GALT7):c.828+28A>G

Gene: B4GALT7 (beta-1,4-galactosyltransferase 7; plus strand). Cytogenetic location: 5q35.3.
Variant type: single nucleotide variant.
Coding change: c.828+28A>G on transcript NM_007255.3 (MANE Select); 28 bases into the intron after coding-DNA position 828, A replaced by G.
Molecular consequence: intron variant.
Genome position (GRCh38, 1-based): chr5:177,609,042, A>G. VCF-style: chr5-177609042-A-G. GRCh37 (hg19) VCF-style: chr5-177036043-A-G.
Other names: p.?.
Identifiers: ClinVar variation 678450 (VCV000678450.5), dbSNP rs6600953, ClinGen allele CA3586701.